The following is an entry in ClinVar:

ClinVar aggregate classification (germline): Likely pathogenic. Review status: criteria provided, multiple submitters, no conflicts (2 of 4 stars). 3 submissions from 3 submitters: Likely pathogenic (3). Last evaluated 2025-10-10.

Conditions:
Deficiency of hydroxymethylglutaryl-CoA lyase (HMGCLD). Also called: HMGCL DEFICIENCY; HYDROXYMETHYLGLUTARIC ACIDURIA; Defect in leucine metabolism; 3-hydroxy-3-methylglutaric aciduria; HMG-CoA LYASE DEFICIENCY. Identifiers: Orphanet 20, MedGen C1533587, MONDO:0009520, OMIM 246450.
Long chain 3-hydroxyacyl-CoA dehydrogenase deficiency. Also called: Deficiency of long-chain 3-hydroxyacyl-coenzyme A dehydrogenase; LCHAD Deficiency. Identifiers: Orphanet 5, MedGen C3711645, MONDO:0012173, OMIM 609016.

Allele frequency attached by ClinVar (database versions not stated): TOPMed below 0.00001.

Submissions (3):

Myriad Genetics, Inc.
Classification: Likely pathogenic for Deficiency of hydroxymethylglutaryl-CoA lyase. Last evaluated: 2025-10-10. Review status: criteria provided, single submitter. Criteria: Myriad Autosomal Dominant, Autosomal Recessive and X-Linked Classification Criteria (2023). Collection method: clinical testing. Allele origin: unknown.
Comment: NM_000191.2(HMGCL):c.497+1G>A is a variant in a canonical splice site classified as likely pathogenic in the context of HMG-CoA lyase deficiency. c.497+1G>A has not been observed in cases with relevant disease. Relevant functional assessments of this variant are not available in the literature. c.497+1G>A has not been observed in referenced population frequency databases. In summary, NM_000191.2(HMGCL):c.497+1G>A is a variant in a canonical splice site in a gene where loss of function is a known mechanism of disease and is predicted to disrupt protein function. Please note: this variant was assessed in the context of healthy population screening.

Natera, Inc.
Classification: Likely pathogenic for Deficiency of long-chain 3-hydroxyacyl-coenzyme A dehydrogenase. Last evaluated: 2024-05-17. Review status: criteria provided, single submitter. Criteria: Natera Variant Classification Schema (03/2026). Collection method: clinical testing. Allele origin: germline.
Comment: The c.497+1G>A variant in HMGCL is a canonical splice donor site variant predicted to affect pre-mRNA splicing, which may result in an abnormal transcript and altered protein product. This variant is expected to result in nonsense mediated decay, truncation, or a dysfunctional protein product. This variant is rare in the general population with a frequency below the threshold expected for the associated phenotype(s). Given the available evidence, this variant is classified as Likely Pathogenic.

Labcorp Genetics (formerly Invitae), Labcorp
Classification: Likely pathogenic for Deficiency of hydroxymethylglutaryl-CoA lyase. Last evaluated: 2023-05-13. Review status: criteria provided, single submitter. Criteria: Invitae Variant Classification Sherloc (09022015). Collection method: clinical testing. Allele origin: germline.
Comment: In summary, the currently available evidence indicates that the variant is pathogenic, but additional data are needed to prove that conclusively. Therefore, this variant has been classified as Likely Pathogenic. Algorithms developed to predict the effect of sequence changes on RNA splicing suggest that this variant may disrupt the consensus splice site. This variant has not been reported in the literature in individuals affected with HMGCL-related conditions. This variant is not present in population databases (gnomAD no frequency). This sequence change affects a donor splice site in intron 5 of the HMGCL gene. It is expected to disrupt RNA splicing. Variants that disrupt the donor or acceptor splice site typically lead to a loss of protein function (PMID: 16199547), and loss-of-function variants in HMGCL are known to be pathogenic (PMID: 9817922, 17692550, 23465862).

Literature cited by the submitters: PubMed 16199547 (cited by Labcorp Genetics (formerly Invitae), Labcorp); PubMed 9817922 (cited by Labcorp Genetics (formerly Invitae), Labcorp); PubMed 17692550 (cited by Labcorp Genetics (formerly Invitae), Labcorp); PubMed 23465862 (cited by Labcorp Genetics (formerly Invitae), Labcorp).

NM_000191.3(HMGCL):c.497+1G>A

Gene: HMGCL (3-hydroxy-3-methylglutaryl-CoA lyase; minus strand). Cytogenetic location: 1p36.11.
Variant type: single nucleotide variant.
Coding change: c.497+1G>A on transcript NM_000191.3 (MANE Select); the canonical splice donor site of the intron after coding-DNA position 497, G replaced by A.
Molecular consequence: splice donor variant. On other transcripts: intron variant (1).
Genome position (GRCh38, 1-based): chr1:23,814,189, C>T on the plus strand (G>A on the coding strand, the complement: HMGCL is on the minus strand). VCF-style: chr1-23814189-C-T. GRCh37 (hg19) VCF-style: chr1-24140679-C-T.
Other names: c.348+2486G>A (NM_001166059.2); c.497+1G>A (NM_000191.2).
Identifiers: ClinVar variation 2781420 (VCV002781420.5), dbSNP rs766648383, ClinGen allele CA339026613.